The following is an entry in ClinVar:

NM_001009931.3(HRNR):c.6264C>A (p.Ser2088=)

Genes: HRNR (hornerin; minus strand), CCDST (cervical cancer associated DHX9 suppressive transcript; plus strand). Cytogenetic location: 1q21.3.
Variant type: single nucleotide variant.
Coding change: c.6264C>A on transcript NM_001009931.3 (MANE Select); coding-DNA position 6264, C replaced by A.
Protein change: p.Ser2088=; no amino-acid change (serine 2088 retained).
Molecular consequence: synonymous variant.
Genome position (GRCh38, 1-based): chr1:152,215,365, G>T on the plus strand (C>A on the coding strand, the complement: HRNR is on the minus strand). VCF-style: chr1-152215365-G-T. GRCh37 (hg19) VCF-style: chr1-152187841-G-T.
Identifiers: ClinVar variation 2639202 (VCV002639202.24), dbSNP rs144489730, ClinGen allele CA1100470.

ClinVar aggregate classification (germline): Likely benign (1 of 4 stars; one submission).

Submission:

CeGaT Center for Human Genetics Tuebingen
Classification: Likely benign. Last evaluated: 2022-12-01. Review status: criteria provided, single submitter. Criteria: CeGaT Center For Human Genetics Tuebingen Variant Classification Criteria Version 2. Collection method: clinical testing. Allele origin: germline. Affected: yes. Observed: 1 variant allele.
Comment: HRNR: BP4, BP7